The following is an entry in ClinVar:

NM_033305.3(VPS13A):c.5408G>A (p.Gly1803Asp)

Gene: VPS13A (vacuolar protein sorting 13 homolog A; plus strand). Cytogenetic location: 9q21.2.
Variant type: single nucleotide variant.
Coding change: c.5408G>A on transcript NM_033305.3 (MANE Select); coding-DNA position 5408, G replaced by A.
Protein change: p.Gly1803Asp; replaces glycine 1803 with aspartic acid.
Molecular consequence: missense variant.
Genome position (GRCh38, 1-based): chr9:77,319,666, G>A. VCF-style: chr9-77319666-G-A. GRCh37 (hg19) VCF-style: chr9-79934582-G-A.
Other names: c.5291G>A, p.Gly1764Asp (NM_001018037.2); c.5408G>A, p.Gly1803Asp (NM_001018038.3, NM_015186.4); short protein forms G1803D, G1764D.
Identifiers: ClinVar variation 1462074 (VCV001462074.3), dbSNP rs1357569109, ClinGen allele CA373861541.

ClinVar aggregate classification (germline): Uncertain significance (1 of 4 stars; one submission).

Allele frequency attached by ClinVar (database versions not stated): gnomAD exomes below 0.00001; TOPMed below 0.00001.
gnomAD v4.1: 4 of 1,567,098 alleles (0.00026%); highest among the groups gnomAD compares: Admixed American, 0.0017%; no homozygotes.

Submission:

Labcorp Genetics (formerly Invitae), Labcorp
Classification: Uncertain significance. Last evaluated: 2021-10-24. Review status: criteria provided, single submitter. Criteria: Invitae Variant Classification Sherloc (09022015). Collection method: clinical testing. Allele origin: germline.
Comment: This sequence change replaces glycine with aspartic acid at codon 1803 of the VPS13A protein (p.Gly1803Asp). The glycine residue is weakly conserved and there is a moderate physicochemical difference between glycine and aspartic acid. This variant is not present in population databases (ExAC no frequency). This variant has not been reported in the literature in individuals affected with VPS13A-related conditions. Algorithms developed to predict the effect of missense changes on protein structure and function (SIFT, PolyPhen-2, Align-GVGD) all suggest that this variant is likely to be tolerated. In summary, the available evidence is currently insufficient to determine the role of this variant in disease. Therefore, it has been classified as a Variant of Uncertain Significance.